The following is an entry in ClinVar:

ClinVar aggregate classification (germline): Conflicting classifications of pathogenicity. Review status: criteria provided, conflicting classifications (1 of 4 stars). 5 submissions from 5 submitters: Uncertain significance (3); Likely benign (1). 1 of the submissions does not count toward it. Last evaluated 2024-02-14.

Conditions:
Diabetes mellitus, transient neonatal, 3 (TNDM3). Identifiers: Orphanet 99886, MedGen C1864623, MONDO:0012522, OMIM 610582. Disease mechanism: loss of function.
Hyperinsulinemic hypoglycemia, familial, 2. Also called: HYPERINSULINEMIC HYPOGLYCEMIA, PERSISTENT; HYPERINSULINISM, NEONATAL. Identifiers: Orphanet 276580, Orphanet 276603, MedGen C2931833, MONDO:0011153, OMIM 601820. Disease mechanism: loss of function.
Permanent neonatal diabetes mellitus 1. Also called: GCK-Related Permanent Neonatal Diabetes Mellitus. Identifiers: MedGen C5393570, MONDO:0100165, OMIM 606176.
Maturity-onset diabetes of the young (MODY). Also called: Maturity onset diabetes mellitus in young. Identifiers: Orphanet 552, MedGen C0342276, MONDO:0018911, HP:0004904.
Diabetes mellitus, permanent neonatal 2. Also called: KCNJ11-Related Permanent Neonatal Diabetes Mellitus. Identifiers: MedGen C5394296, MONDO:0030087, OMIM 618856.
Maturity-onset diabetes of the young type 13. Also called: MODY, TYPE 13. Identifiers: Orphanet 552, MedGen C4225365, MONDO:0014589, OMIM 616329.
Type 2 diabetes mellitus. Also called: Type II diabetes mellitus. Identifiers: MedGen C0011860, MeSH D003924, MONDO:0005148, OMIM 125853, HP:0005978.

Allele frequency attached by ClinVar (database versions not stated): gnomAD 0.00009 and 0.00011; TOPMed 0.00030.
gnomAD v4.1: 29 of 1,614,012 alleles (0.0018%); highest among the groups gnomAD compares: Admixed American, 0.038%; no homozygotes.

Submissions (5):

Fulgent Genetics
Classification: Uncertain significance for Type 2 diabetes mellitus; Hyperinsulinemic hypoglycemia, familial, 2; Diabetes mellitus, transient neonatal, 3; Maturity-onset diabetes of the young type 13; Diabetes mellitus, permanent neonatal 2. Last evaluated: 2024-02-14. Review status: criteria provided, single submitter. Criteria: ACMG Guidelines, 2015. Collection method: clinical testing. Allele origin: germline.

New York Genome Center
Classification: Uncertain significance for Type 2 diabetes mellitus; Maturity-onset diabetes of the young type 13; Hyperinsulinemic hypoglycemia, familial, 2. Last evaluated: 2022-04-15. Review status: criteria provided, single submitter. Criteria: NYGC Assertion Criteria 2020. Collection method: clinical testing. Allele origin: germline. Observed: 1 heterozygote.
Comment: The c.302C>A variant in KCNJ11 has previously been reported in an heterozygous state in an infant with congenital hyperinsulinism [PMID: 15562009] and it has been deposited in ClinVar [ClinVar ID: 552375] as Variant of Uncertain Significance. The c.302C>A variant is observed in 96 alleles (~0.016% MAF with 0 homozygotes) in population databases (gnomAD v2.1.1 and v3.1.2, TOPMed Freeze 8), suggesting it is not a common benign variant in the populations represented in those databases, which might include individuals with multifactorial endocrine system disorders. The c.302C>A variant in KCNJ11 is located in the extracellular domain of this 1-exongene, and predicted to replace an evolutionarily conserved alanine amino acid with aspartate at position 101 (p.(Ala101Asp). In silico predictions are not in favor of damaging effect for p.(Ala101Asp) [CADD v1.6 = 18.2, REVEL = 0.467]; however, there are no functional studies to support or refute these predictions. Based on available evidence this c.302C>A p.(Ala101Asp) variant identified in KCNJ11 is classified as a Variant of Uncertain Significance.

GeneDx
Classification: Likely benign. Last evaluated: 2018-11-20. Review status: criteria provided, single submitter. Criteria: GeneDx Variant Classification Process June 2021. Collection method: clinical testing. Allele origin: germline. Affected: yes.
Comment: See Variant Classification Assertion Criteria.

Clinical Genomics, Uppaluri K&H Personalized Medicine Clinic
Classification: Uncertain significance for Maturity-onset diabetes of the young. Review status: criteria provided, single submitter. Criteria: K&H Uppaluri Personalized Medicine Clinic Variant Classification & Assertion Criteria. Collection method: research. Allele origin: somatic. Inheritance: Autosomal dominant inheritance.
Comment: Mutations in KCNJ11 gene can cause decreased production and secretion of insulin. This can lead to MODY which may be responsive to oral sulfonylureas. It is also associated with with Neonatal Diabetes. However, no sufficient evidence is found to ascertain the role of rs1014454531 variant in MODY yet.

Counsyl
Classification: Uncertain significance for Hyperinsulinemic hypoglycemia, familial, 2; Permanent neonatal diabetes mellitus 1; Diabetes mellitus, transient neonatal, 3. Last evaluated: 2017-06-07. Review status: no assertion criteria provided. Collection method: clinical testing. Allele origin: unknown. Not counted in ClinVar's aggregate classification.

Literature cited by the submitters: PubMed 26448950 (cited by Clinical Genomics, Uppaluri K&H Personalized Medicine Clinic); PubMed 15580558 (cited by Clinical Genomics, Uppaluri K&H Personalized Medicine Clinic); PubMed 15718250 (cited by Clinical Genomics, Uppaluri K&H Personalized Medicine Clinic); PubMed 32935446 (cited by Clinical Genomics, Uppaluri K&H Personalized Medicine Clinic); PubMed 22701567 (cited by Clinical Genomics, Uppaluri K&H Personalized Medicine Clinic); PubMed 15562009 (cited by Counsyl); PubMed 16357843 (cited by Counsyl).

NM_000525.4(KCNJ11):c.302C>A (p.Ala101Asp)

Gene: KCNJ11 (potassium inwardly rectifying channel subfamily J member 11; minus strand). Cytogenetic location: 11p15.1.
Variant type: single nucleotide variant.
Coding change: c.302C>A on transcript NM_000525.4 (MANE Select); coding-DNA position 302, C replaced by A.
Protein change: p.Ala101Asp; replaces alanine 101 with aspartic acid.
Molecular consequence: missense variant.
Genome position (GRCh38, 1-based): chr11:17,387,790, G>T on the plus strand (C>A on the coding strand, the complement: KCNJ11 is on the minus strand). VCF-style: chr11-17387790-G-T. GRCh37 (hg19) VCF-style: chr11-17409337-G-T.
Other names: c.41C>A, p.Ala14Asp (NM_001166290.2, NM_001377296.1, NM_001377297.1); short protein forms A101D, A14D.
Identifiers: ClinVar variation 552375 (VCV000552375.8), dbSNP rs1014454531, ClinGen allele CA218400036.